The following is an entry in ClinVar:

ClinVar aggregate classification (germline): Uncertain significance. Review status: criteria provided, multiple submitters, no conflicts (2 of 4 stars). 3 submissions from 3 submitters: Uncertain significance (3). Last evaluated 2024-08-30.

Allele frequency attached by ClinVar (database versions not stated): gnomAD 0.00001; ExAC 0.00002; TOPMed 0.00002.
gnomAD v4.1: 51 of 1,613,554 alleles (0.0032%); highest among the groups gnomAD compares: Non-Finnish European, 0.0038%; no homozygotes.

Submissions (3):

Athena Diagnostics
Classification: Uncertain significance. Last evaluated: 2024-08-30. Review status: criteria provided, single submitter. Criteria: Athena Diagnostics Criteria. Collection method: clinical testing. Allele origin: unknown.
Comment: Available data are insufficient to determine the clinical significance of the variant at this time. The frequency of this variant in the general population is uninformative in assessment of its pathogenicity. Polyphen and MutationTaster predict this amino acid change may be benign.

GeneDx
Classification: Uncertain significance. Last evaluated: 2019-08-05. Review status: criteria provided, single submitter. Criteria: GeneDx Variant Classification Process June 2021. Collection method: clinical testing. Allele origin: germline. Affected: yes.

Eurofins Ntd Llc (ga)
Classification: Uncertain significance. Last evaluated: 2018-08-10. Review status: criteria provided, single submitter. Criteria: EGL ClinVar v180209 classification definitions. Collection method: clinical testing. Allele origin: germline. Observed: 1 variant allele, 1 heterozygote.

Literature cited by the submitters: PubMed 30531895 (cited by Athena Diagnostics).

NM_001267550.2(TTN):c.71635G>A (p.Ala23879Thr)

Genes: TTN (titin; minus strand), TTN-AS1 (TTN antisense RNA 1; plus strand). Cytogenetic location: 2q31.2.
Variant type: single nucleotide variant.
Coding change: c.71635G>A on transcript NM_001267550.2 (MANE Select); coding-DNA position 71635, G replaced by A.
Protein change: p.Ala23879Thr; replaces alanine 23879 with threonine.
Molecular consequence: missense variant.
Genome position (GRCh38, 1-based): chr2:178,574,497, C>T on the plus strand (G>A on the coding strand, the complement: TTN is on the minus strand). VCF-style: chr2-178574497-C-T. GRCh37 (hg19) VCF-style: chr2-179439224-C-T.
Other names: c.66712G>A, p.Ala22238Thr (NM_001256850.1); c.44440G>A, p.Ala14814Thr (NM_003319.4); c.63931G>A, p.Ala21311Thr (NM_133378.4); c.44815G>A, p.Ala14939Thr (NM_133432.3); c.45016G>A, p.Ala15006Thr (NM_133437.4); c.71635G>A (NM_001267550.1); short protein forms A23879T, A21311T, A22238T, A15006T, A14939T, A14814T.
Identifiers: ClinVar variation 598292 (VCV000598292.8), dbSNP rs778238304, ClinGen allele CA1990605.